The following is an entry in ClinVar:

ClinVar aggregate classification (germline): Uncertain significance (1 of 4 stars; one submission).

Allele frequency attached by ClinVar (database versions not stated): gnomAD exomes 0.00001; ExAC 0.00002.
gnomAD v4.1: 7 of 1,207,873 alleles (0.00058%); highest among the groups gnomAD compares: South Asian, 0.0018%; no homozygotes.

Submission:

Labcorp Genetics (formerly Invitae), Labcorp
Classification: Uncertain significance. Last evaluated: 2023-11-25. Review status: criteria provided, single submitter. Criteria: Invitae Variant Classification Sherloc (09022015). Collection method: clinical testing. Allele origin: germline.
Comment: This sequence change replaces glycine, which is neutral and non-polar, with serine, which is neutral and polar, at codon 57 of the CLCN5 protein (p.Gly57Ser). This variant is present in population databases (rs782720805, gnomAD 0.004%). This variant has not been reported in the literature in individuals affected with CLCN5-related conditions. An algorithm developed to predict the effect of missense changes on protein structure and function (PolyPhen-2) suggests that this variant is likely to be disruptive. In summary, the available evidence is currently insufficient to determine the role of this variant in disease. Therefore, it has been classified as a Variant of Uncertain Significance.

NM_001127898.4(CLCN5):c.379G>A (p.Gly127Ser)

Gene: CLCN5 (chloride voltage-gated channel 5; plus strand). Cytogenetic location: Xp11.23.
Variant type: single nucleotide variant.
Coding change: c.379G>A on transcript NM_001127898.4 (MANE Select); coding-DNA position 379, G replaced by A.
Protein change: p.Gly127Ser; replaces glycine 127 with serine.
Molecular consequence: missense variant.
Genome position (GRCh38, 1-based): chrX:50,072,552, G>A. VCF-style: chrX-50072552-G-A. GRCh37 (hg19) VCF-style: chrX-49837207-G-A.
Other names: c.169G>A, p.Gly57Ser (NM_000084.5); c.379G>A, p.Gly127Ser (NM_001127899.4); c.229G>A, p.Gly77Ser (NM_001282163.2); short protein forms G127S, G77S, G57S.
Identifiers: ClinVar variation 2784861 (VCV002784861.3), dbSNP rs782720805, ClinGen allele CA10413720.
Genomic context (GRCh38, chrX:50,072,552, plus strand): 5'-ACCAATAAAAGCAAAGAGTCAACATGGGCCTTAATTCACAGTGTGAGTGATGCTTTTTCC[G>A]GCTGGTTGTTGATGCTCCTTATTGGGCTTTTATCAGGTATGGTAAACTGTTAGTTTTCAA-3'
Protein context (NP_001121370.1, residues 117-137): LIHSVSDAFS[Gly127Ser]WLLMLLIGLL